The following is an entry in ClinVar:

ClinVar aggregate classification (germline): Likely benign. Review status: criteria provided, multiple submitters, no conflicts (2 of 4 stars). 5 submissions from 5 submitters: Likely benign (3). 2 of the submissions do not count toward it. Last evaluated 2025-11-01.

Conditions:
Pseudohypoparathyroidism type 1C (PHP1C). Also called: Pseudohypoparathyroidism Ic (PHP-Ic); PHP IC; PSEUDOHYPOPARATHYROIDISM, TYPE IC. Identifiers: Orphanet 79444, MedGen C2932716, MONDO:0012911, OMIM 612462.
ACTH-independent macronodular adrenal hyperplasia 1 (AIMAH1). Also called: ACTH-INDEPENDENT MACRONODULAR ADRENOCORTICAL HYPERPLASIA; ACTH-independent macronodular adrenal hyperplasia, somatic; CORTICOTROPIN-INDEPENDENT MACRONODULAR ADRENAL HYPERPLASIA; ADRENOCORTICOTROPIC HORMONE-INDEPENDENT MACRONODULAR ADRENAL HYPERPLASIA; CUSHING SYNDROME, ADRENAL, DUE TO AIMAH. Identifiers: MedGen C1857451, MONDO:0020735, OMIM 219080.
Pseudohypoparathyroidism type I A (PHP1A). Also called: PHP IA; Pseudohypoparathyroidism type 1A; ALBRIGHT HEREDITARY OSTEODYSTROPHY WITH MULTIPLE HORMONE RESISTANCE; Pseudohypoparathyroidism Type IA; Pseudohypoparathyroidism Ia (PHP-Ia). Identifiers: Orphanet 79443, MedGen C3494506, MONDO:0007078, OMIM 103580.
McCune-Albright syndrome (MAS). Also called: Albright's Syndrome; Albright's disease; ALBRIGHT SYNDROME; McCune-Albright syndrome, somatic, mosaic; Fibrous Dysplasia / McCune-Albright Syndrome. Identifiers: Orphanet 562, MedGen C0242292, MONDO:0018919, OMIM 174800.
Pseudohypoparathyroidism type 1B (PHP1B). Also called: PHP IB; Pseudohypoparathyroidism Ib (PHP-Ib); Pseudohypoparathyroidism Type IB. Identifiers: Orphanet 94089, MedGen C1864100, MONDO:0011301, OMIM 603233.
Pseudopseudohypoparathyroidism (PPHP). Also called: Pseudopseudohypoparathyroidism (PPHP); ALBRIGHT HEREDITARY OSTEODYSTROPHY WITHOUT MULTIPLE HORMONE RESISTANCE. Identifiers: Orphanet 79445, MedGen C0033835, MONDO:0012912, OMIM 612463.
Progressive osseous heteroplasia (POH). Also called: Osteoma cutis; ECTOPIC OSSIFICATION, FAMILIAL; Progressive Osseus Heteroplasia (POH); Osseus Heteroplasia, Progressive. Identifiers: Orphanet 2762, MedGen C0334041, MONDO:0008153, OMIM 166350, HP:0025027.
Pituitary adenoma 3, multiple types. Also called: PITUITARY ADENOMA 3, ACTH-SECRETING, SOMATIC; PITUITARY ADENOMA 3, GROWTH HORMONE-SECRETING, SOMATIC. Identifiers: MedGen C4540135, MONDO:0054665, OMIM 617686.

Allele frequency attached by ClinVar (database versions not stated): ExAC 0.00001; TOPMed 0.00001; gnomAD exomes 0.00005.
gnomAD v4.1: 41 of 1,613,814 alleles (0.0025%); highest among the groups gnomAD compares: Non-Finnish European, 0.0035%; no homozygotes.

Submissions (5):

CeGaT Center for Human Genetics Tuebingen
Classification: Likely benign. Last evaluated: 2025-11-01. Review status: criteria provided, single submitter. Criteria: CeGaT Center For Human Genetics Tuebingen Variant Classification Criteria Version 2. Collection method: clinical testing. Allele origin: germline. Affected: yes. Observed: 1 variant allele.
Comment: GNAS: BP4, BP7

Labcorp Genetics (formerly Invitae), Labcorp
Classification: Likely benign. Last evaluated: 2025-01-05. Review status: criteria provided, single submitter. Criteria: Invitae Variant Classification Sherloc (09022015). Collection method: clinical testing. Allele origin: germline.

Fulgent Genetics
Classification: Likely benign for Pseudohypoparathyroidism type I A; Progressive osseous heteroplasia; McCune-Albright syndrome; ACTH-independent macronodular adrenal hyperplasia 1; Pseudohypoparathyroidism type 1B; Pseudohypoparathyroidism type 1C; Pseudopseudohypoparathyroidism; Pituitary adenoma 3, multiple types. Last evaluated: 2021-07-23. Review status: criteria provided, single submitter. Criteria: ACMG Guidelines, 2015. Collection method: clinical testing. Allele origin: unknown.

Clinical Genetics DNA and cytogenetics Diagnostics Lab, Erasmus MC, Erasmus Medical Center
Classification: Likely benign. Review status: no assertion criteria provided. Collection method: clinical testing. Allele origin: germline. Affected: yes. Study: VKGL Data-share Consensus. Not counted in ClinVar's aggregate classification.

Clinical Genetics, Academic Medical Center
Classification: Benign. Review status: no assertion criteria provided. Collection method: clinical testing. Allele origin: germline. Affected: yes. Study: VKGL Data-share Consensus. Not counted in ClinVar's aggregate classification.

NM_000516.7(GNAS):c.576G>T (p.Pro192=)

Gene: GNAS (GNAS complex locus; plus strand). Cytogenetic location: 20q13.32.
Variant type: single nucleotide variant.
Coding change: c.576G>T on transcript NM_000516.7 (MANE Select); coding-DNA position 576, G replaced by T.
Protein change: p.Pro192=; no amino-acid change (proline 192 retained).
Molecular consequence: synonymous variant. On other transcripts: 3 prime UTR variant (2).
Genome position (GRCh38, 1-based): chr20:58,909,207, G>T. VCF-style: chr20-58909207-G-T. GRCh37 (hg19) VCF-style: chr20-57484262-G-T.
Other names: c.579G>T, p.Pro193= (NM_001077488.5); c.531G>T, p.Pro177= (NM_001077489.4); c.*437G>T (NM_001077490.3); c.399G>T, p.Pro133= (NM_001309840.2, NM_001309861.2); c.*482G>T (NM_016592.5); c.2505G>T, p.Pro835= (NM_080425.4); c.534G>T, p.Pro178= (NM_080426.4).
Identifiers: ClinVar variation 1299925 (VCV001299925.12), dbSNP rs558915293, ClinGen allele CA9927149.